The following is an entry in ClinVar:

ClinVar aggregate classification (germline): Uncertain significance (1 of 4 stars; one submission).

Conditions:
Arginase deficiency. Also called: ARGININEMIA; ARG1 DEFICIENCY; Arginase 1 Deficiency. Identifiers: Orphanet 90, MedGen C0268548, MONDO:0008814, OMIM 207800.

Submission:

Labcorp Genetics (formerly Invitae), Labcorp
Classification: Uncertain significance for Arginase deficiency. Last evaluated: 2024-11-05. Review status: criteria provided, single submitter. Criteria: Invitae Variant Classification Sherloc (09022015). Collection method: clinical testing. Allele origin: germline.
Comment: This sequence change replaces serine, which is neutral and polar, with cysteine, which is neutral and slightly polar, at codon 5 of the ARG1 protein (p.Ser5Cys). This variant is not present in population databases (gnomAD no frequency). This variant has not been reported in the literature in individuals affected with ARG1-related conditions. ClinVar contains an entry for this variant (Variation ID: 1979830). An algorithm developed to predict the effect of missense changes on protein structure and function (PolyPhen-2) suggests that this variant is likely to be tolerated. In summary, the available evidence is currently insufficient to determine the role of this variant in disease. Therefore, it has been classified as a Variant of Uncertain Significance.

NM_000045.4(ARG1):c.14C>G (p.Ser5Cys)

Gene: ARG1 (arginase 1; plus strand). Cytogenetic location: 6q23.2.
Variant type: single nucleotide variant.
Coding change: c.14C>G on transcript NM_000045.4 (MANE Select); coding-DNA position 14, C replaced by G.
Protein change: p.Ser5Cys; replaces serine 5 with cysteine.
Molecular consequence: missense variant. On other transcripts: non-coding transcript variant (1).
Genome position (GRCh38, 1-based): chr6:131,573,296, C>G. VCF-style: chr6-131573296-C-G. GRCh37 (hg19) VCF-style: chr6-131894436-C-G.
Other names: c.14C>G, p.Ser5Cys (NM_001244438.2, NM_001369020.1); short protein forms S5C.
Identifiers: ClinVar variation 1979830 (VCV001979830.4), dbSNP rs2482310430, ClinGen allele CA365649038.